The following is an entry in ClinVar:

ClinVar aggregate classification (germline): Likely pathogenic (1 of 4 stars; one submission).

Conditions:
Microcephaly 2, primary, autosomal recessive, with or without cortical malformations. Also called: MICROCEPHALY 2, PRIMARY, AUTOSOMAL RECESSIVE, WITH CORTICAL MALFORMATIONS; WDR62 Primary Microcephaly. Identifiers: Orphanet 2512, MedGen C1858535, MONDO:0011435, OMIM 604317.

Submission:

Juno Genomics, Hangzhou Juno Genomics, Inc
Classification: Likely pathogenic for Microcephaly 2, primary, autosomal recessive, with or without cortical malformations. Review status: criteria provided, single submitter. Criteria: ACMG Guidelines, 2015. Collection method: clinical testing. Allele origin: germline.
Comment: Null variant in a gene where loss of function (LOF) is a known mechanism of disease.;Absent from controls (or at extremely low frequency if recessive) in Genome Aggregation Database.

NM_001083961.2(WDR62):c.4032dup (p.Arg1345fs)

Gene: WDR62 (WD repeat domain 62; plus strand). Cytogenetic location: 19q13.12.
Variant type: Duplication.
Coding change: c.4032dup on transcript NM_001083961.2 (MANE Select); coding-DNA position 4032, one base duplicated (T; older notation c.4032dupT).
Protein change: p.Arg1345fs; shifts the reading frame from arginine 1345.
Molecular consequence: frameshift variant.
Genome position (GRCh38, 1-based): chr19:36,103,860, T duplicated; the last of 3 consecutive T bases (chr19:36,103,858-36,103,860); duplicating any one gives the same sequence. VCF-style (leftmost placement, unchanged base first): chr19-36103857-C-CT. GRCh37 (hg19) VCF-style: chr19-36594759-C-CT.
Other names: c.4017dup, p.Arg1340fs (NM_001411145.1, NM_173636.5); c.3783dup, p.Arg1262fs (NM_001411146.1); c.3681dup, p.Arg1228fs (NM_001411147.1); short protein forms R1340fs, R1345fs, R1262fs, R1228fs.
Identifiers: ClinVar variation 5005973 (VCV005005973.2).
Genomic context (GRCh38, chr19:36,103,857, plus strand): 5'-AGTGAGCTTCCCAGCCCCTAGCCCTGTGGAAGAGAGCGCCCTGAGGCTCCACGGCTCTGC[C>CT]TTTCGCCCAAGTCTCCCAGCTCCTGAGTCCCCTGGCCTTCCTGCCCACCCCAGTAACCCC-3'